The following is an entry in ClinVar:

NM_014014.5(SNRNP200):c.5373G>C (p.Gln1791His)

Gene: SNRNP200 (small nuclear ribonucleoprotein U5 subunit 200; minus strand). Cytogenetic location: 2q11.2.
Variant type: single nucleotide variant.
Coding change: c.5373G>C on transcript NM_014014.5 (MANE Select); coding-DNA position 5373, G replaced by C.
Protein change: p.Gln1791His; replaces glutamine 1791 with histidine.
Molecular consequence: missense variant.
Genome position (GRCh38, 1-based): chr2:96,278,662, C>G on the plus strand (G>C on the coding strand, the complement: SNRNP200 is on the minus strand). VCF-style: chr2-96278662-C-G. GRCh37 (hg19) VCF-style: chr2-96944400-C-G.
Other names: short protein forms Q1791H.
Identifiers: ClinVar variation 4772972 (VCV004772972.1).

ClinVar aggregate classification (germline): Uncertain significance (1 of 4 stars; one submission).

gnomAD v4.1: 1 of 1,614,234 alleles (0.000062%); highest among the groups gnomAD compares: Non-Finnish European, 0.000085%; no homozygotes.

Submission:

Labcorp Genetics (formerly Invitae), Labcorp
Classification: Uncertain significance. Last evaluated: 2025-06-22. Review status: criteria provided, single submitter. Criteria: Invitae Variant Classification Sherloc (09022015). Collection method: clinical testing. Allele origin: germline.
Comment: This sequence change replaces glutamine, which is neutral and polar, with histidine, which is basic and polar, at codon 1791 of the SNRNP200 protein (p.Gln1791His). This variant is not present in population databases (gnomAD no frequency). This variant has not been reported in the literature in individuals affected with SNRNP200-related conditions. Invitae Evidence Modeling of protein sequence and biophysical properties (such as structural, functional, and spatial information, amino acid conservation, physicochemical variation, residue mobility, and thermodynamic stability) indicates that this missense variant is not expected to disrupt SNRNP200 protein function with a negative predictive value of 95%. In summary, the available evidence is currently insufficient to determine the role of this variant in disease. Therefore, it has been classified as a Variant of Uncertain Significance.